The following is an entry in ClinVar:

ClinVar aggregate classification (germline): Uncertain significance. Review status: criteria provided, multiple submitters, no conflicts (2 of 4 stars). 2 submissions from 2 submitters: Uncertain significance (2). Last evaluated 2026-01-16.

Conditions:
DICER1-related tumor predisposition. Also called: DICER1-related pleuropulmonary blastoma cancer predisposition syndrome; DICER1 syndrome. Identifiers: Orphanet 284343, MedGen C3839822, MONDO:0100216.
Hereditary cancer-predisposing syndrome. Also called: Tumor predisposition; Neoplastic Syndromes, Hereditary; Hereditary Cancer Syndrome; Hereditary neoplastic syndrome. Identifiers: Orphanet 140162, MedGen C0027672, MeSH D009386, MONDO:0015356.

Submissions (2):

Labcorp Genetics (formerly Invitae), Labcorp
Classification: Uncertain significance for DICER1-related tumor predisposition. Last evaluated: 2026-01-16. Review status: criteria provided, single submitter. Criteria: Invitae Variant Classification Sherloc (09022015). Collection method: clinical testing. Allele origin: germline.
Comment: This sequence change replaces proline, which is neutral and non-polar, with glutamine, which is neutral and polar, at codon 1724 of the DICER1 protein (p.Pro1724Gln). This variant is not present in population databases (gnomAD no frequency). This variant has not been reported in the literature in individuals affected with DICER1-related conditions. ClinVar contains an entry for this variant (Variation ID: 477245). Invitae Evidence Modeling of protein sequence and biophysical properties (such as structural, functional, and spatial information, amino acid conservation, physicochemical variation, residue mobility, and thermodynamic stability) indicates that this missense variant is not expected to disrupt DICER1 protein function with a negative predictive value of 95%. In summary, the available evidence is currently insufficient to determine the role of this variant in disease. Therefore, it has been classified as a Variant of Uncertain Significance.

Ambry Genetics
Classification: Uncertain significance for Hereditary cancer-predisposing syndrome. Last evaluated: 2024-02-01. Review status: criteria provided, single submitter. Criteria: Ambry Variant Classification Scheme 2023. Collection method: clinical testing. Allele origin: germline.
Comment: The p.P1724Q variant (also known as c.5171C>A), located in coding exon 23 of the DICER1 gene, results from a C to A substitution at nucleotide position 5171. The proline at codon 1724 is replaced by glutamine, an amino acid with similar properties. This amino acid position is highly conserved in available vertebrate species. In addition, the in silico prediction for this alteration is inconclusive. Since supporting evidence is limited at this time, the clinical significance of this alteration remains unclear.

NM_177438.3(DICER1):c.5171C>A (p.Pro1724Gln)

Gene: DICER1 (dicer 1, ribonuclease III; minus strand). Cytogenetic location: 14q32.13.
Variant type: single nucleotide variant.
Coding change: c.5171C>A on transcript NM_177438.3 (MANE Select); coding-DNA position 5171, C replaced by A.
Protein change: p.Pro1724Gln; replaces proline 1724 with glutamine.
Molecular consequence: missense variant.
Genome position (GRCh38, 1-based): chr14:95,094,081, G>T on the plus strand (C>A on the coding strand, the complement: DICER1 is on the minus strand). VCF-style: chr14-95094081-G-T. GRCh37 (hg19) VCF-style: chr14-95560418-G-T.
Other names: c.5171C>A, p.Pro1724Gln (NM_001195573.1, NM_001271282.3, NM_001291628.2 and 1 more transcripts); short protein forms P1724Q.
Identifiers: ClinVar variation 477245 (VCV000477245.14), dbSNP rs749900564, ClinGen allele CA390865283.